The following is an entry in ClinVar:

ClinVar aggregate classification (germline): Pathogenic (1 of 4 stars; one submission).

Submission:

Labcorp Genetics (formerly Invitae), Labcorp
Classification: Pathogenic. Last evaluated: 2025-08-04. Review status: criteria provided, single submitter. Criteria: Invitae Variant Classification Sherloc (09022015). Collection method: clinical testing. Allele origin: germline.
Comment: This sequence change creates a premature translational stop signal (p.Tyr3922Leufs*27) in the FAT1 gene. It is expected to result in an absent or disrupted protein product. Loss-of-function variants in FAT1 are known to be pathogenic (PMID: 30862798). This variant is present in population databases (no rsID available, gnomAD 0.003%). This variant has not been reported in the literature in individuals affected with FAT1-related conditions. For these reasons, this variant has been classified as Pathogenic.

Literature cited by the submitters: PubMed 30862798.

NM_005245.4(FAT1):c.11764dup (p.Tyr3922fs)

Gene: FAT1 (FAT atypical cadherin 1; minus strand). Cytogenetic location: 4q35.2.
Variant type: Duplication.
Coding change: c.11764dup on transcript NM_005245.4 (MANE Select); coding-DNA position 11764, one base duplicated (T; older notation c.11764dupT).
Protein change: p.Tyr3922fs; shifts the reading frame from tyrosine 3922.
Molecular consequence: frameshift variant.
Genome position (GRCh38, 1-based): chr4:186,600,237, A duplicated on the plus strand (T on the coding strand, the reverse complement: FAT1 is on the minus strand). VCF-style (leftmost placement, unchanged base first): chr4-186600236-T-TA. GRCh37 (hg19) VCF-style: chr4-187521390-T-TA.
Other names: c.11764dup, p.Tyr3922fs (NM_001440455.1, NM_001440456.1, NM_001440457.1); short protein forms Y3922fs.
Identifiers: ClinVar variation 4724533 (VCV004724533.1).